The following is an entry in ClinVar:

NM_002691.4(POLD1):c.610C>T (p.His204Tyr)

Gene: POLD1 (DNA polymerase delta 1, catalytic subunit; plus strand). Cytogenetic location: 19q13.33.
Variant type: single nucleotide variant.
Coding change: c.610C>T on transcript NM_002691.4 (MANE Select); coding-DNA position 610, C replaced by T.
Protein change: p.His204Tyr; replaces histidine 204 with tyrosine.
Molecular consequence: missense variant. On other transcripts: non-coding transcript variant (1).
Genome position (GRCh38, 1-based): chr19:50,402,225, C>T. VCF-style: chr19-50402225-C-T. GRCh37 (hg19) VCF-style: chr19-50905482-C-T.
Other names: c.610C>T (NM_002691.2); c.610C>T, p.His204Tyr (NM_001256849.1, NM_001308632.1); short protein forms H204Y.
Identifiers: ClinVar variation 1420776 (VCV001420776.8), dbSNP rs777700419, ClinGen allele CA9595835.

ClinVar aggregate classification (germline): Uncertain significance. Review status: criteria provided, multiple submitters, no conflicts (2 of 4 stars). 2 submissions from 2 submitters: Uncertain significance (2). Last evaluated 2025-12-20.

Conditions:
POLD1-related polyposis and colorectal cancer syndrome (CRCS10). Also called: Colorectal cancer, susceptibility to, 10; Colorectal cancer 10; COLORECTAL CANCER, SUSCEPTIBILITY TO, ON CHROMOSOME 19q. Identifiers: Orphanet 220460, MedGen C2675481, MONDO:0012953, OMIM 612591.
Hereditary cancer-predisposing syndrome. Also called: Tumor predisposition; Hereditary Cancer Syndrome; Hereditary neoplastic syndrome; Neoplastic Syndromes, Hereditary. Identifiers: Orphanet 140162, MedGen C0027672, MeSH D009386, MONDO:0015356.

Allele frequency attached by ClinVar (database versions not stated): gnomAD exomes below 0.00001; ExAC 0.00001.
gnomAD v4.1: 2 of 1,586,578 alleles (0.00013%); highest among the groups gnomAD compares: South Asian, 0.0012%; no homozygotes.

Submissions (2):

Ambry Genetics
Classification: Uncertain significance for Hereditary cancer-predisposing syndrome. Last evaluated: 2025-12-20. Review status: criteria provided, single submitter. Criteria: Ambry Variant Classification Scheme 2023. Collection method: clinical testing. Allele origin: germline.
Comment: The p.H204Y variant (also known as c.610C>T), located in coding exon 5 of the POLD1 gene, results from a C to T substitution at nucleotide position 610. The histidine at codon 204 is replaced by tyrosine, an amino acid with similar properties. This amino acid position is conserved. In addition, this alteration is predicted to be tolerated by in silico analysis. Since supporting evidence is limited at this time, the clinical significance of this alteration remains unclear.

Labcorp Genetics (formerly Invitae), Labcorp
Classification: Uncertain significance for POLD1-related polyposis and colorectal cancer syndrome. Last evaluated: 2023-11-14. Review status: criteria provided, single submitter. Criteria: Invitae Variant Classification Sherloc (09022015). Collection method: clinical testing. Allele origin: germline.
Comment: This sequence change replaces histidine, which is basic and polar, with tyrosine, which is neutral and polar, at codon 204 of the POLD1 protein (p.His204Tyr). This variant is present in population databases (rs777700419, gnomAD 0.001%). This variant has not been reported in the literature in individuals affected with POLD1-related conditions. ClinVar contains an entry for this variant (Variation ID: 1420776). Advanced modeling of protein sequence and biophysical properties (such as structural, functional, and spatial information, amino acid conservation, physicochemical variation, residue mobility, and thermodynamic stability) performed at Invitae indicates that this missense variant is not expected to disrupt POLD1 protein function with a negative predictive value of 80%. In summary, the available evidence is currently insufficient to determine the role of this variant in disease. Therefore, it has been classified as a Variant of Uncertain Significance.